The following is an entry in ClinVar:

ClinVar aggregate classification (germline): Likely benign (1 of 4 stars; one submission).

Submission:

CeGaT Center for Human Genetics Tuebingen
Classification: Likely benign. Last evaluated: 2026-01-01. Review status: criteria provided, single submitter. Criteria: CeGaT Center For Human Genetics Tuebingen Variant Classification Criteria Version 2. Collection method: clinical testing. Allele origin: germline. Affected: yes. Observed: 1 variant allele.
Comment: ADGRL1: PM2:Supporting, BP4, BP7

NM_014921.5(ADGRL1):c.4104G>T (p.Arg1368=)

Genes: ADGRL1-AS1 (ADGRL1 antisense RNA 1; plus strand), ADGRL1 (adhesion G protein-coupled receptor L1; minus strand). Cytogenetic location: 19p13.12.
Variant type: single nucleotide variant.
Coding change: c.4104G>T on transcript NM_014921.5 (MANE Select); coding-DNA position 4104, G replaced by T.
Protein change: p.Arg1368=; no amino-acid change (arginine 1368 retained).
Molecular consequence: synonymous variant.
Genome position (GRCh38, 1-based): chr19:14,151,179, C>A on the plus strand (G>T on the coding strand, the complement: ADGRL1 is on the minus strand). VCF-style: chr19-14151179-C-A. GRCh37 (hg19) VCF-style: chr19-14261991-C-A.
Other names: c.4119G>T, p.Arg1373= (NM_001008701.3).
Identifiers: ClinVar variation 4823088 (VCV004823088.4).